The following is an entry in ClinVar:

ClinVar aggregate classification (germline): Uncertain significance (1 of 4 stars; one submission).

gnomAD v4.1: 1 of 1,612,818 alleles (0.000062%); highest among the groups gnomAD compares: Admixed American, 0.0017%; no homozygotes.

Submission:

Labcorp Genetics (formerly Invitae), Labcorp
Classification: Uncertain significance. Last evaluated: 2022-05-24. Review status: criteria provided, single submitter. Criteria: Invitae Variant Classification Sherloc (09022015). Collection method: clinical testing. Allele origin: germline.
Comment: In summary, the available evidence is currently insufficient to determine the role of this variant in disease. Therefore, it has been classified as a Variant of Uncertain Significance. Algorithms developed to predict the effect of missense changes on protein structure and function are either unavailable or do not agree on the potential impact of this missense change (SIFT: "Deleterious"; PolyPhen-2: "Probably Damaging"; Align-GVGD: "Class C0"). This variant has not been reported in the literature in individuals affected with CAPN1-related conditions. This variant is present in population databases (no rsID available, gnomAD 0.003%). This sequence change replaces glycine, which is neutral and non-polar, with valine, which is neutral and non-polar, at codon 245 of the CAPN1 protein (p.Gly245Val).

NM_005186.4(CAPN1):c.734G>T (p.Gly245Val)

Gene: CAPN1 (calpain 1; plus strand). Cytogenetic location: 11q13.1.
Variant type: single nucleotide variant.
Coding change: c.734G>T on transcript NM_005186.4 (MANE Select); coding-DNA position 734, G replaced by T.
Protein change: p.Gly245Val; replaces glycine 245 with valine.
Molecular consequence: missense variant. On other transcripts: non-coding transcript variant (1).
Genome position (GRCh38, 1-based): chr11:65,186,313, G>T. VCF-style: chr11-65186313-G-T. GRCh37 (hg19) VCF-style: chr11-64953784-G-T.
Other names: c.734G>T, p.Gly245Val (NM_001198868.2, NM_001198869.2); c.572G>T, p.Gly191Val (NM_001198870.1); short protein forms G245V, G191V.
Identifiers: ClinVar variation 1981087 (VCV001981087.4), dbSNP rs1487718740, ClinGen allele CA381244641.